The following is an entry in ClinVar:

NM_001252024.2(TRPM1):c.2681C>A (p.Ala894Glu)

Genes: TRPM1 (transient receptor potential cation channel subfamily M member 1; minus strand), TRPM1-AS1 (TRPM1 antisense RNA 1; plus strand). Cytogenetic location: 15q13.3.
Variant type: single nucleotide variant.
Coding change: c.2681C>A on transcript NM_001252024.2 (MANE Select); coding-DNA position 2681, C replaced by A.
Protein change: p.Ala894Glu; replaces alanine 894 with glutamic acid.
Molecular consequence: missense variant.
Genome position (GRCh38, 1-based): chr15:31,035,565, G>T on the plus strand (C>A on the coding strand, the complement: TRPM1 is on the minus strand). VCF-style: chr15-31035565-G-T. GRCh37 (hg19) VCF-style: chr15-31327768-G-T.
Other names: c.2732C>A, p.Ala911Glu (NM_001252020.2); c.2615C>A, p.Ala872Glu (NM_002420.6); short protein forms A894E, A911E, A872E.
Identifiers: ClinVar variation 2135631 (VCV002135631.4), dbSNP rs747730182, ClinGen allele CA391546678.

ClinVar aggregate classification (germline): Uncertain significance (1 of 4 stars; one submission).

Submission:

Labcorp Genetics (formerly Invitae), Labcorp
Classification: Uncertain significance. Last evaluated: 2022-05-16. Review status: criteria provided, single submitter. Criteria: Invitae Variant Classification Sherloc (09022015). Collection method: clinical testing. Allele origin: germline.
Comment: In summary, the available evidence is currently insufficient to determine the role of this variant in disease. Therefore, it has been classified as a Variant of Uncertain Significance. Algorithms developed to predict the effect of missense changes on protein structure and function are either unavailable or do not agree on the potential impact of this missense change (SIFT: "Deleterious"; PolyPhen-2: "Probably Damaging"; Align-GVGD: "Class C15"). This variant has not been reported in the literature in individuals affected with TRPM1-related conditions. This variant is not present in population databases (gnomAD no frequency). This sequence change replaces alanine, which is neutral and non-polar, with glutamic acid, which is acidic and polar, at codon 872 of the TRPM1 protein (p.Ala872Glu).